The following is an entry in ClinVar:

ClinVar aggregate classification (germline): Uncertain significance (1 of 4 stars; one submission).

Allele frequency attached by ClinVar (database versions not stated): TOPMed 0.00001.

Submission:

Labcorp Genetics (formerly Invitae), Labcorp
Classification: Uncertain significance. Last evaluated: 2021-07-04. Review status: criteria provided, single submitter. Criteria: Invitae Variant Classification Sherloc (09022015). Collection method: clinical testing. Allele origin: germline.
Comment: This sequence change replaces isoleucine with valine at codon 117 of the ADAMTS18 protein (p.Ile117Val). The isoleucine residue is moderately conserved and there is a small physicochemical difference between isoleucine and valine. This variant is not present in population databases (ExAC no frequency). This variant has not been reported in the literature in individuals affected with ADAMTS18-related conditions. Algorithms developed to predict the effect of missense changes on protein structure and function are either unavailable or do not agree on the potential impact of this missense change (SIFT: "Not Available"; PolyPhen-2: "Benign"; Align-GVGD: "Not Available"). In summary, the available evidence is currently insufficient to determine the role of this variant in disease. Therefore, it has been classified as a Variant of Uncertain Significance.

NM_199355.4(ADAMTS18):c.349A>G (p.Ile117Val)

Gene: ADAMTS18 (ADAM metallopeptidase with thrombospondin type 1 motif 18; minus strand). Cytogenetic location: 16q23.1.
Variant type: single nucleotide variant.
Coding change: c.349A>G on transcript NM_199355.4 (MANE Select); coding-DNA position 349, A replaced by G.
Protein change: p.Ile117Val; replaces isoleucine 117 with valine.
Molecular consequence: missense variant. On other transcripts: 5 prime UTR variant (1).
Genome position (GRCh38, 1-based): chr16:77,431,441, T>C on the plus strand (A>G on the coding strand, the complement: ADAMTS18 is on the minus strand). VCF-style: chr16-77431441-T-C. GRCh37 (hg19) VCF-style: chr16-77465338-T-C.
Other names: c.-172A>G (NM_001326358.2); short protein forms I117V.
Identifiers: ClinVar variation 1506910 (VCV001506910.8), dbSNP rs2057738857, ClinGen allele CA396851291.